The following is an entry in ClinVar:

ClinVar aggregate classification (germline): Uncertain significance (1 of 4 stars; one submission).

Conditions:
Charcot-Marie-Tooth disease axonal type 2P. Also called: CHARCOT-MARIE-TOOTH NEUROPATHY, TYPE 2P; CHARCOT-MARIE-TOOTH DISEASE, AXONAL, TYPE 2G; CMT 2G; Charcot-Marie-Tooth Neuropathy Type 2G. Identifiers: Orphanet 300319, Orphanet 99941, MedGen C3280797, MONDO:0013753, OMIM 614436.

Allele frequency attached by ClinVar (database versions not stated): TOPMed below 0.00001; gnomAD 0.00001.
gnomAD v4.1: 1 of 1,611,346 alleles (0.000062%); highest among the groups gnomAD compares: Non-Finnish European, 0.000085%; no homozygotes.

Submission:

Labcorp Genetics (formerly Invitae), Labcorp
Classification: Uncertain significance for Charcot-Marie-Tooth disease axonal type 2P. Last evaluated: 2022-11-30. Review status: criteria provided, single submitter. Criteria: Invitae Variant Classification Sherloc (09022015). Collection method: clinical testing. Allele origin: germline.
Comment: This variant is not present in population databases (gnomAD no frequency). This variant has not been reported in the literature in individuals affected with LRSAM1-related conditions. ClinVar contains an entry for this variant (Variation ID: 539994). Advanced modeling of protein sequence and biophysical properties (such as structural, functional, and spatial information, amino acid conservation, physicochemical variation, residue mobility, and thermodynamic stability) performed at Invitae indicates that this missense variant is expected to disrupt LRSAM1 protein function. In summary, the available evidence is currently insufficient to determine the role of this variant in disease. Therefore, it has been classified as a Variant of Uncertain Significance. This sequence change replaces cysteine, which is neutral and slightly polar, with arginine, which is basic and polar, at codon 699 of the LRSAM1 protein (p.Cys699Arg).

NM_001005373.4(LRSAM1):c.2095T>C (p.Cys699Arg)

Gene: LRSAM1 (leucine rich repeat and sterile alpha motif containing 1; plus strand). Cytogenetic location: 9q34.11.
Variant type: single nucleotide variant.
Coding change: c.2095T>C on transcript NM_001005373.4 (MANE Select); coding-DNA position 2095, T replaced by C.
Protein change: p.Cys699Arg; replaces cysteine 699 with arginine.
Molecular consequence: missense variant. On other transcripts: non-coding transcript variant (2).
Genome position (GRCh38, 1-based): chr9:127,502,822, T>C. VCF-style: chr9-127502822-T-C. GRCh37 (hg19) VCF-style: chr9-130265101-T-C.
Other names: c.2095T>C, p.Cys699Arg (NM_001005374.4, NM_001384142.1, NM_138361.5); c.2014T>C, p.Cys672Arg (NM_001190723.3); c.1996T>C, p.Cys666Arg (NM_001384143.1); c.1306T>C, p.Cys436Arg (NM_001384144.1); short protein forms C699R, C672R, C436R, C666R.
Identifiers: ClinVar variation 539994 (VCV000539994.8), dbSNP rs1341295542, ClinGen allele CA374938801.
Genomic context (GRCh38, chr9:127,502,822, plus strand): 5'-CTCCCTCCCCAGGCCCAGATGATCTTCCTCAACTGTGGCCACGTCTGCTGCTGCCAGCAG[T>C]GCTGCCAGCCACTGCGCACCTGCCCGCTGTGCCGCCAGGACATCGCCCAGCGCCTCCGCA-3'
Protein context (NP_001005373.1, residues 689-709): NCGHVCCCQQ[Cys699Arg]CQPLRTCPLC